The following is an entry in ClinVar:

NM_005228.5(EGFR):c.1632T>C (p.Gly544=)

Gene: EGFR (epidermal growth factor receptor; plus strand). Cytogenetic location: 7p11.2.
Variant type: single nucleotide variant.
Coding change: c.1632T>C on transcript NM_005228.5 (MANE Select); coding-DNA position 1632, T replaced by C.
Protein change: p.Gly544=; no amino-acid change (glycine 544 retained).
Molecular consequence: synonymous variant.
Genome position (GRCh38, 1-based): chr7:55,163,733, T>C. VCF-style: chr7-55163733-T-C. GRCh37 (hg19) VCF-style: chr7-55231426-T-C.
Other names: p.Gly544=; c.1632T>C (NM_005228.4); c.1497T>C, p.Gly499= (NM_001346897.2, NM_001346899.2); c.1632T>C, p.Gly544= (NM_001346898.2, NM_201282.2, NM_201284.2); c.1473T>C, p.Gly491= (NM_001346900.2); c.831T>C, p.Gly277= (NM_001346941.2).
Identifiers: ClinVar variation 134024 (VCV000134024.46), dbSNP rs17290103, ClinGen allele CA158450.

ClinVar aggregate classification (germline): Benign/Likely benign. Review status: criteria provided, multiple submitters, no conflicts (2 of 4 stars). 8 submissions from 8 submitters: Benign (4); Likely benign (2). 2 of the submissions do not count toward it. Last evaluated 2026-08-01.

Conditions:
Hereditary cancer-predisposing syndrome. Also called: Neoplastic Syndromes, Hereditary; Tumor predisposition; Hereditary neoplastic syndrome; Hereditary Cancer Syndrome. Identifiers: Orphanet 140162, MedGen C0027672, MeSH D009386, MONDO:0015356.
EGFR-related lung cancer (EGFR). Identifiers: MedGen CN130014.

Allele frequency attached by ClinVar (database versions not stated): gnomAD exomes 0.00085 and 0.00201; 1000 Genomes Project 30x 0.00828; gnomAD 0.00841 and 0.00901; ExAC 0.00248; 1000 Genomes Project 0.00819; TOPMed 0.00963; ESP Exome Variant Server 0.00976.
gnomAD v4.1: 2,582 of 1,614,154 alleles (0.16%); highest among the groups gnomAD compares: African/African-American, 2.9%; 53 homozygotes.

Submissions (8):

CeGaT Center for Human Genetics Tuebingen
Classification: Benign. Last evaluated: 2026-08-01. Review status: criteria provided, single submitter. Criteria: CeGaT Center For Human Genetics Tuebingen Variant Classification Criteria Version 2. Collection method: clinical testing. Allele origin: germline. Affected: yes. Observed: 11 variant alleles.
Comment: EGFR: BP4, BP7, BS1, BS2

Labcorp Genetics (formerly Invitae), Labcorp
Classification: Benign for EGFR-related lung cancer. Last evaluated: 2026-02-04. Review status: criteria provided, single submitter. Criteria: Invitae Variant Classification Sherloc (09022015). Collection method: clinical testing. Allele origin: germline.

Mayo Clinic Laboratories, Mayo Clinic
Classification: Likely benign. Last evaluated: 2025-08-22. Review status: criteria provided, single submitter. Criteria: ACMG Guidelines, 2015. Collection method: clinical testing. Allele origin: germline. Observed: 1 variant allele.
Comment: BS1, BP4, BP7

Ambry Genetics
Classification: Likely benign for Hereditary cancer-predisposing syndrome. Last evaluated: 2024-07-30. Review status: criteria provided, single submitter. Criteria: Ambry Variant Classification Scheme 2023. Collection method: clinical testing. Allele origin: germline.

Sema4
Classification: Benign for Hereditary cancer-predisposing syndrome. Last evaluated: 2021-04-26. Review status: criteria provided, single submitter. Criteria: Sema4 Curation Guidelines. Collection method: curation. Allele origin: germline.

Breakthrough Genomics
Classification: Benign. Review status: criteria provided, single submitter. Criteria: ACMG Guidelines, 2015. Collection method: not provided. Allele origin: germline. Inheritance: Autosomal recessive inheritance. Affected: yes.

Genetic Services Laboratory, University of Chicago
Classification: Benign. Last evaluated: 2022-05-12. Review status: no assertion criteria provided. Collection method: clinical testing. Allele origin: germline. Affected: no. Not counted in ClinVar's aggregate classification.

ITMI
No classification provided. Condition: AllHighlyPenetrant. Last evaluated: 2013-09-19. Review status: no classification provided. Collection method: reference population. Allele origin: germline. Not counted in ClinVar's aggregate classification.
Comment: Please see associated publication for description of ethnicities

Literature cited by the submitters: PubMed 24728327 (cited by ITMI).